The following is an entry in ClinVar:

ClinVar aggregate classification (germline): Conflicting classifications of pathogenicity. Review status: criteria provided, conflicting classifications (1 of 4 stars). 4 submissions from 4 submitters: Likely pathogenic (1); Uncertain significance (2). 1 of the submissions does not count toward it. Last evaluated 2025-07-30.

Conditions:
Mucopolysaccharidosis, MPS-III-B (MPS3B). Also called: MPS III B; Mucopolysaccharidosis type IIIB (Sanfilippo B); N-ACETYL-ALPHA-D-GLUCOSAMINIDASE DEFICIENCY; NAGLU DEFICIENCY; SANFILIPPO SYNDROME B; MUCOPOLYSACCHARIDOSIS, TYPE IIIB. Identifiers: Orphanet 79270, MedGen C0086648, MONDO:0009656, OMIM 252920.
Charcot-Marie-Tooth disease axonal type 2V. Also called: CHARCOT-MARIE-TOOTH NEUROPATHY, TYPE 2V; CHARCOT-MARIE-TOOTH DISEASE, AXONAL, AUTOSOMAL DOMINANT, TYPE 2V. Identifiers: Orphanet 447964, MedGen C5569050, MONDO:0014665, OMIM 616491.

Allele frequency attached by ClinVar (database versions not stated): gnomAD exomes 0.00001.
gnomAD v4.1: 4 of 1,611,192 alleles (0.00025%); highest among the groups gnomAD compares: Non-Finnish European, 0.00034%; no homozygotes.

Submissions (4):

Women's Health and Genetics/Laboratory Corporation of America, LabCorp
Classification: Uncertain significance. Last evaluated: 2025-07-30. Review status: criteria provided, single submitter. Criteria: LabCorp Variant Classification Summary - May 2015. Collection method: clinical testing. Allele origin: germline.
Comment: Variant summary: NAGLU c.1082G>T (p.Trp361Leu) results in a non-conservative amino acid change located in the Alpha-N-acetylglucosaminidase, tim-barrel domain (IPR024733) of the encoded protein sequence. Algorithms developed to predict the effect of missense changes on protein structure and function all suggest that this variant is likely to be disruptive. The variant was absent in 246384 control chromosomes. To our knowledge, no occurrence of c.1082G>T in individuals affected with Mucopolysaccharidosis Type IIIB (Sanfilippo Syndrome B) and no experimental evidence demonstrating its impact on protein function have been reported. Other variant(s) that disrupt this residue ( p.Trp361Cys and p.Trp361Arg) have been determined to be pathogenic. ClinVar contains an entry for this variant (Variation ID: 1163598). Based on the evidence outlined above, the variant was classified as VUS-possibly pathogenic.

Labcorp Genetics (formerly Invitae), Labcorp
Classification: Likely pathogenic for Charcot-Marie-Tooth disease axonal type 2V; Mucopolysaccharidosis, MPS-III-B. Last evaluated: 2022-10-04. Review status: criteria provided, single submitter. Criteria: Invitae Variant Classification Sherloc (09022015). Collection method: clinical testing. Allele origin: germline.
Comment: Advanced modeling of protein sequence and biophysical properties (such as structural, functional, and spatial information, amino acid conservation, physicochemical variation, residue mobility, and thermodynamic stability) performed at Invitae indicates that this missense variant is expected to disrupt NAGLU protein function. In summary, the currently available evidence indicates that the variant is pathogenic, but additional data are needed to prove that conclusively. Therefore, this variant has been classified as Likely Pathogenic. This variant disrupts the p.Trp361 amino acid residue in NAGLU. Other variant(s) that disrupt this residue have been determined to be pathogenic (PMID: 23380547, 29979746, 30070758). This suggests that this residue is clinically significant, and that variants that disrupt this residue are likely to be disease-causing. ClinVar contains an entry for this variant (Variation ID: 1163598). This variant has not been reported in the literature in individuals affected with NAGLU-related conditions. This variant is not present in population databases (gnomAD no frequency). This sequence change replaces tryptophan, which is neutral and slightly polar, with leucine, which is neutral and non-polar, at codon 361 of the NAGLU protein (p.Trp361Leu).

Mayo Clinic Laboratories, Mayo Clinic
Classification: Uncertain significance. Last evaluated: 2020-09-10. Review status: criteria provided, single submitter. Criteria: ACMG Guidelines, 2015. Collection method: clinical testing. Allele origin: germline. Observed: 1 variant allele.

Natera, Inc.
Classification: Uncertain significance for Mucopolysaccharidosis type IIIB. Last evaluated: 2025-05-05. Review status: no assertion criteria provided. Collection method: clinical testing. Allele origin: germline. Not counted in ClinVar's aggregate classification.

Literature cited by the submitters: PubMed 23380547 (cited by Labcorp Genetics (formerly Invitae), Labcorp); PubMed 29979746 (cited by Labcorp Genetics (formerly Invitae), Labcorp); PubMed 30070758 (cited by Labcorp Genetics (formerly Invitae), Labcorp).

NM_000263.4(NAGLU):c.1082G>T (p.Trp361Leu)

Gene: NAGLU (N-acetyl-alpha-glucosaminidase; plus strand). Cytogenetic location: 17q21.2.
Variant type: single nucleotide variant.
Coding change: c.1082G>T on transcript NM_000263.4 (MANE Select); coding-DNA position 1082, G replaced by T.
Protein change: p.Trp361Leu; replaces tryptophan 361 with leucine.
Molecular consequence: missense variant.
Genome position (GRCh38, 1-based): chr17:42,543,088, G>T. VCF-style: chr17-42543088-G-T. GRCh37 (hg19) VCF-style: chr17-40695106-G-T.
Other names: short protein forms W361L.
Identifiers: ClinVar variation 1163598 (VCV001163598.12), dbSNP rs753454744, ClinGen allele CA399601094.